The following is an entry in ClinVar:

NM_001134673.4(NFIA):c.919T>G (p.Ser307Ala)

Gene: NFIA (nuclear factor I A; plus strand). Cytogenetic location: 1p31.3.
Variant type: single nucleotide variant.
Coding change: c.919T>G on transcript NM_001134673.4 (MANE Select); coding-DNA position 919, T replaced by G.
Protein change: p.Ser307Ala; replaces serine 307 with alanine.
Molecular consequence: missense variant.
Genome position (GRCh38, 1-based): chr1:61,359,247, T>G. VCF-style: chr1-61359247-T-G. GRCh37 (hg19) VCF-style: chr1-61824919-T-G.
Other names: c.895T>G, p.Ser299Ala (NM_001145511.2); c.1054T>G, p.Ser352Ala (NM_001145512.2); c.919T>G, p.Ser307Ala (NM_005595.5); short protein forms S299A, S307A, S352A.
Identifiers: ClinVar variation 1718406 (VCV001718406.5), dbSNP rs1452496953, ClinGen allele CA340588226.

ClinVar aggregate classification (germline): Uncertain significance (1 of 4 stars; one submission).

Allele frequency attached by ClinVar (database versions not stated): gnomAD 0.00001.
gnomAD v4.1: 2 of 1,612,436 alleles (0.00012%); highest among the groups gnomAD compares: African/African-American, 0.0027%; no homozygotes.

Submission:

Labcorp Genetics (formerly Invitae), Labcorp
Classification: Uncertain significance. Last evaluated: 2024-10-24. Review status: criteria provided, single submitter. Criteria: Invitae Variant Classification Sherloc (09022015). Collection method: clinical testing. Allele origin: germline.
Comment: This sequence change replaces serine, which is neutral and polar, with alanine, which is neutral and non-polar, at codon 307 of the NFIA protein (p.Ser307Ala). This variant is present in population databases (no rsID available, gnomAD 0.01%). This variant has not been reported in the literature in individuals affected with NFIA-related conditions. ClinVar contains an entry for this variant (Variation ID: 1718406). An algorithm developed to predict the effect of missense changes on protein structure and function (PolyPhen-2) suggests that this variant is likely to be tolerated. In summary, the available evidence is currently insufficient to determine the role of this variant in disease. Therefore, it has been classified as a Variant of Uncertain Significance.